The following is an entry in ClinVar:

ClinVar aggregate classification (germline): Pathogenic (1 of 4 stars; one submission).

Conditions:
DICER1-related tumor predisposition. Also called: DICER1 syndrome; DICER1-related pleuropulmonary blastoma cancer predisposition syndrome. Identifiers: Orphanet 284343, MedGen C3839822, MONDO:0100216.

Submission:

Labcorp Genetics (formerly Invitae), Labcorp
Classification: Pathogenic for DICER1-related tumor predisposition. Last evaluated: 2023-08-21. Review status: criteria provided, single submitter. Criteria: Invitae Variant Classification Sherloc (09022015). Collection method: clinical testing. Allele origin: germline.
Comment: This sequence change creates a premature translational stop signal (p.Thr1688Asnfs*12) in the DICER1 gene. It is expected to result in an absent or disrupted protein product. Loss-of-function variants in DICER1 are known to be pathogenic (PMID: 19556464, 21266384). This variant is not present in population databases (gnomAD no frequency). This variant has not been reported in the literature in individuals affected with DICER1-related conditions. ClinVar contains an entry for this variant (Variation ID: 959274). For these reasons, this variant has been classified as Pathogenic.

Literature cited by the submitters: PubMed 19556464; PubMed 21266384.

NM_177438.3(DICER1):c.5062dup (p.Thr1688fs)

Gene: DICER1 (dicer 1, ribonuclease III; minus strand). Cytogenetic location: 14q32.13.
Variant type: Duplication.
Coding change: c.5062dup on transcript NM_177438.3 (MANE Select); coding-DNA position 5062, one base duplicated (A; older notation c.5062dupA).
Protein change: p.Thr1688fs; shifts the reading frame from threonine 1688.
Molecular consequence: frameshift variant.
Genome position (GRCh38, 1-based): chr14:95,095,858, T duplicated on the plus strand (A on the coding strand, the reverse complement: DICER1 is on the minus strand). VCF-style (leftmost placement, unchanged base first): chr14-95095857-G-GT. GRCh37 (hg19) VCF-style: chr14-95562194-G-GT.
Other names: c.5062dup, p.Thr1688fs (NM_001195573.1, NM_001271282.3, NM_001291628.2 and 1 more transcripts); short protein forms T1688fs.
Identifiers: ClinVar variation 959274 (VCV000959274.9), dbSNP rs1890260072, ClinGen allele CA1139663694.